The following is an entry in ClinVar:

NM_021076.4(NEFH):c.2492AGG[1] (p.Glu832del)

Gene: NEFH (neurofilament heavy chain; plus strand). Cytogenetic location: 22q12.2.
Variant type: Microsatellite.
Coding change: c.2492AGG[1] on transcript NM_021076.4 (MANE Select); one copy of the 3-base unit AGG starting at c.2492; the reference has two copies in a row; one copy, 3 bases deleted.
Protein change: p.Glu832del; deletes glutamic acid 832.
Molecular consequence: inframe deletion.
Genome position (GRCh38, 1-based): chr22:29,490,135-29,490,137, AGG deleted; deleting any 3 consecutive bases within chr22:29,490,132-29,490,137 gives the same sequence; the position shown is the placement nearest the transcript's 3' end. VCF-style (leftmost placement, unchanged base first): chr22-29490131-CAGG-C. GRCh37 (hg19) VCF-style: chr22-29886120-CAGG-C.
Other names: short protein forms E832del.
Identifiers: ClinVar variation 1970188 (VCV001970188.5), dbSNP rs2517979100, ClinGen allele CA2580615287.
Genomic context (GRCh38, chr22:29,490,131, plus strand): 5'-GAGAAGGAGATCCCAAAAAAGGAAGAGGTGAAGTCCCCAGTGAAGGAGGAGGAGAAGCCC[CAGG>C]AGGTGAAAGTCAAAGAGCCCCCAAAGAAGGCAGAGGAAGAGAAAGCCCCTGCCACACCAA-3'

ClinVar aggregate classification (germline): Uncertain significance (1 of 4 stars; one submission).

Submission:

Labcorp Genetics (formerly Invitae), Labcorp
Classification: Uncertain significance. Last evaluated: 2022-02-06. Review status: criteria provided, single submitter. Criteria: Invitae Variant Classification Sherloc (09022015). Collection method: clinical testing. Allele origin: germline.
Comment: Experimental studies and prediction algorithms are not available or were not evaluated, and the functional significance of this variant is currently unknown. In summary, the available evidence is currently insufficient to determine the role of this variant in disease. Therefore, it has been classified as a Variant of Uncertain Significance. Algorithms developed to predict the effect of sequence changes on RNA splicing suggest that this variant may create or strengthen a splice site. This variant has not been reported in the literature in individuals affected with NEFH-related conditions. This variant is not present in population databases (gnomAD no frequency). This variant, c.2495_2497del, results in the deletion of 1 amino acid(s) of the NEFH protein (p.Glu832del), but otherwise preserves the integrity of the reading frame.